The following is an entry in ClinVar:

NM_017831.4(RNF125):c.670G>C (p.Glu224Gln)

Gene: RNF125 (ring finger protein 125; plus strand). Cytogenetic location: 18q12.1.
Variant type: single nucleotide variant.
Coding change: c.670G>C on transcript NM_017831.4 (MANE Select); coding-DNA position 670, G replaced by C.
Protein change: p.Glu224Gln; replaces glutamic acid 224 with glutamine.
Molecular consequence: missense variant.
Genome position (GRCh38, 1-based): chr18:32,068,355, G>C. VCF-style: chr18-32068355-G-C. GRCh37 (hg19) VCF-style: chr18-29648318-G-C.
Other names: short protein forms E224Q.
Identifiers: ClinVar variation 1922910 (VCV001922910.6), dbSNP rs377245557, ClinGen allele CA8930570.

ClinVar aggregate classification (germline): Uncertain significance. Review status: criteria provided, multiple submitters, no conflicts (2 of 4 stars). 2 submissions from 2 submitters: Uncertain significance (2). Last evaluated 2024-04-26.

Conditions:
Tenorio syndrome (TNORS). Also called: OVERGROWTH, MACROCEPHALY, AND INTELLECTUAL DISABILITY SYNDROME. Identifiers: MedGen C4015710, MONDO:0014553, OMIM 616260.

Allele frequency attached by ClinVar (database versions not stated): gnomAD exomes below 0.00001; gnomAD 0.00001; TOPMed 0.00001; ExAC 0.00002; ESP Exome Variant Server 0.00008.
gnomAD v4.1: 10 of 1,596,654 alleles (0.00063%); highest among the groups gnomAD compares: Non-Finnish European, 0.00069%; no homozygotes.

Submissions (2):

Women's Health and Genetics/Laboratory Corporation of America, LabCorp
Classification: Uncertain significance. Last evaluated: 2024-04-26. Review status: criteria provided, single submitter. Criteria: LabCorp Variant Classification Summary - May 2015. Collection method: clinical testing. Allele origin: germline.
Comment: Variant summary: RNF125 c.670G>C (p.Glu224Gln) results in a conservative amino acid change in the encoded protein sequence. Three of five in-silico tools predict a benign effect of the variant on protein function. The variant allele was found at a frequency of 1.2e-05 in 250992 control chromosomes. The available data on variant occurrences in the general population are insufficient to allow any conclusion about variant significance. To our knowledge, no occurrence of c.670G>C in individuals affected with Tenorio Syndrome and no experimental evidence demonstrating its impact on protein function have been reported. ClinVar contains an entry for this variant (Variation ID: 1922910). Based on the evidence outlined above, the variant was classified as uncertain significance.

Labcorp Genetics (formerly Invitae), Labcorp
Classification: Uncertain significance for Tenorio syndrome. Last evaluated: 2022-10-16. Review status: criteria provided, single submitter. Criteria: Invitae Variant Classification Sherloc (09022015). Collection method: clinical testing. Allele origin: germline.
Comment: In summary, the available evidence is currently insufficient to determine the role of this variant in disease. Therefore, it has been classified as a Variant of Uncertain Significance. Algorithms developed to predict the effect of missense changes on protein structure and function are either unavailable or do not agree on the potential impact of this missense change (SIFT: "Deleterious"; PolyPhen-2: "Benign"; Align-GVGD: "Class C0"). This missense change has been observed in individual(s) with RNF125-related conditions (Invitae). This variant is present in population databases (rs377245557, gnomAD 0.003%). This sequence change replaces glutamic acid, which is acidic and polar, with glutamine, which is neutral and polar, at codon 224 of the RNF125 protein (p.Glu224Gln).